The following is an entry in ClinVar:

NM_021813.4(BACH2):c.2457C>T (p.Thr819=)

Gene: BACH2 (BACH transcriptional regulator 2; minus strand). Cytogenetic location: 6q15.
Variant type: single nucleotide variant.
Coding change: c.2457C>T on transcript NM_021813.4 (MANE Select); coding-DNA position 2457, C replaced by T.
Protein change: p.Thr819=; no amino-acid change (threonine 819 retained).
Molecular consequence: synonymous variant.
Genome position (GRCh38, 1-based): chr6:89,932,477, G>A on the plus strand (C>T on the coding strand, the complement: BACH2 is on the minus strand). VCF-style: chr6-89932477-G-A. GRCh37 (hg19) VCF-style: chr6-90642196-G-A.
Other names: c.2457C>T, p.Thr819= (NM_001170794.2).
Identifiers: ClinVar variation 1122928 (VCV001122928.40), dbSNP rs138800850, ClinGen allele CA3927782.

ClinVar aggregate classification (germline): Benign/Likely benign. Review status: criteria provided, multiple submitters, no conflicts (2 of 4 stars). 4 submissions from 4 submitters: Benign (1); Likely benign (3). Last evaluated 2026-02-01.

Allele frequency attached by ClinVar (database versions not stated): TOPMed 0.00019; gnomAD exomes 0.00021; gnomAD 0.00022 and 0.00023; ExAC 0.00030; ESP Exome Variant Server 0.00054.
gnomAD v4.1: 390 of 1,613,920 alleles (0.024%); highest among the groups gnomAD compares: Non-Finnish European, 0.031%; no homozygotes.

Submissions (4):

Labcorp Genetics (formerly Invitae), Labcorp
Classification: Likely benign. Last evaluated: 2026-02-01. Review status: criteria provided, single submitter. Criteria: Invitae Variant Classification Sherloc (09022015). Collection method: clinical testing. Allele origin: germline.

Laboratory of Genetics, Children's Clinical University Hospital Latvia
Classification: Benign. Last evaluated: 2025-02-16. Review status: criteria provided, single submitter. Criteria: ACMG Guidelines, 2015. Collection method: clinical testing. Allele origin: germline. Affected: yes.

Blueprint Genetics
Classification: Likely benign. Last evaluated: 2024-09-11. Review status: criteria provided, single submitter. Criteria: ACMG Guidelines, 2015. Collection method: clinical testing. Allele origin: germline.

CeGaT Center for Human Genetics Tuebingen
Classification: Likely benign. Last evaluated: 2022-06-01. Review status: criteria provided, single submitter. Criteria: CeGaT Center For Human Genetics Tuebingen Variant Classification Criteria Version 2. Collection method: clinical testing. Allele origin: germline. Affected: yes. Observed: 1 variant allele.
Comment: BACH2: BP4, BP7